The following is an entry in ClinVar:

NM_001267550.2(TTN):c.93570T>C (p.Asn31190=)

Genes: TTN (titin; minus strand), TTN-AS1 (TTN antisense RNA 1; plus strand). Cytogenetic location: 2q31.2.
Variant type: single nucleotide variant.
Coding change: c.93570T>C on transcript NM_001267550.2 (MANE Select); coding-DNA position 93570, T replaced by C.
Protein change: p.Asn31190=; no amino-acid change (asparagine 31190 retained).
Molecular consequence: synonymous variant.
Genome position (GRCh38, 1-based): chr2:178,548,056, A>G on the plus strand (T>C on the coding strand, the complement: TTN is on the minus strand). VCF-style: chr2-178548056-A-G. GRCh37 (hg19) VCF-style: chr2-179412783-A-G.
Other names: c.85866T>C, p.Asn28622= (NM_133378.4); c.88647T>C, p.Asn29549= (NM_001256850.1); c.66375T>C, p.Asn22125= (NM_003319.4); c.66750T>C, p.Asn22250= (NM_133432.3); c.66951T>C, p.Asn22317= (NM_133437.4).
Identifiers: ClinVar variation 228167 (VCV000228167.14), dbSNP rs746309005, ClinGen allele CA10576460.

ClinVar aggregate classification (germline): Likely benign. Review status: criteria provided, multiple submitters, no conflicts (2 of 4 stars). 2 submissions from 2 submitters: Likely benign (2). Last evaluated 2024-08-29.

Conditions:
Autosomal recessive limb-girdle muscular dystrophy type 2J (LGMDR10). Also called: Limb-girdle muscular dystrophy, type 2J; MUSCULAR DYSTROPHY, LIMB-GIRDLE, AUTOSOMAL RECESSIVE 10. Identifiers: Orphanet 140922, MedGen C1837342, MONDO:0012127, OMIM 608807.
Dilated cardiomyopathy 1G (CMD1G). Identifiers: Orphanet 154, MedGen C1858763, MONDO:0011400, OMIM 604145.

Allele frequency attached by ClinVar (database versions not stated): gnomAD 0.00003.
gnomAD v4.1: 3 of 1,613,762 alleles (0.00019%); highest among the groups gnomAD compares: Admixed American, 0.0017%; no homozygotes.

Submissions (2):

Labcorp Genetics (formerly Invitae), Labcorp
Classification: Likely benign for Dilated cardiomyopathy 1G; Autosomal recessive limb-girdle muscular dystrophy type 2J. Last evaluated: 2024-08-29. Review status: criteria provided, single submitter. Criteria: Invitae Variant Classification Sherloc (09022015). Collection method: clinical testing. Allele origin: germline.

Laboratory for Molecular Medicine, Mass General Brigham Personalized Medicine
Classification: Likely benign. Last evaluated: 2016-03-07. Review status: criteria provided, single submitter. Criteria: LMM Criteria. Collection method: clinical testing. Allele origin: germline. Observed: 1 variant allele.
Comment: p.Asn28622Asn in exon 288 of TTN: This variant is not expected to have clinical significance because it does not alter an amino acid residue and is not located within the splice consensus sequence.